The following is an entry in ClinVar:

ClinVar aggregate classification (germline): Conflicting classifications of pathogenicity. Review status: criteria provided, conflicting classifications (1 of 4 stars). 2 submissions from 2 submitters: Uncertain significance (1); Likely benign (1). Last evaluated 2024-05-13.

Conditions:
Charcot-Marie-Tooth disease type 2. Also called: Charcot-Marie-Tooth type 2. Identifiers: Orphanet 64746, MedGen C0270914, MONDO:0018993.

Allele frequency attached by ClinVar (database versions not stated): ExAC 0.00001; TOPMed 0.00002; gnomAD exomes below 0.00001; gnomAD 0.00003; ESP Exome Variant Server 0.00008.
gnomAD v4.1: 5 of 1,613,376 alleles (0.00031%); highest among the groups gnomAD compares: African/African-American, 0.0053%; no homozygotes.

Submissions (2):

Labcorp Genetics (formerly Invitae), Labcorp
Classification: Likely benign for Charcot-Marie-Tooth disease type 2. Last evaluated: 2024-05-13. Review status: criteria provided, single submitter. Criteria: Invitae Variant Classification Sherloc (09022015). Collection method: clinical testing. Allele origin: germline.

Ambry Genetics
Classification: Uncertain significance. Last evaluated: 2023-02-27. Review status: criteria provided, single submitter. Criteria: Ambry Variant Classification Scheme 2023. Collection method: clinical testing. Allele origin: germline.
Comment: The c.430-5C>T intronic variant results from a C to T substitution 5 nucleotides before coding exon 5 in the KIF1B gene. This nucleotide position is not well conserved in available vertebrate species. In silico splice site analysis predicts that this alteration will not have any significant effect on splicing. The evidence for this gene-disease relationship is limited; therefore, the clinical significance of this alteration is unclear.

NM_001365951.3(KIF1B):c.430-5C>T

Gene: KIF1B (kinesin family member 1B; plus strand). Cytogenetic location: 1p36.22.
Variant type: single nucleotide variant.
Coding change: c.430-5C>T on transcript NM_001365951.3 (MANE Select); 5 bases into the intron before coding-DNA position 430, C replaced by T.
Molecular consequence: intron variant.
Genome position (GRCh38, 1-based): chr1:10,267,375, C>T. VCF-style: chr1-10267375-C-T. GRCh37 (hg19) VCF-style: chr1-10327433-C-T.
Other names: c.430-5C>T (NM_183416.4, NM_015074.3, NM_001365952.1 and 1 more transcripts).
Identifiers: ClinVar variation 1739580 (VCV001739580.8), dbSNP rs372491552, ClinGen allele CA580717.